The following is an entry in ClinVar:

NM_001395159.1(UNC79):c.7703A>G (p.Gln2568Arg)

Gene: UNC79 (unc-79 subunit of NALCN channel complex; plus strand). Cytogenetic location: 14q32.12.
Variant type: single nucleotide variant.
Coding change: c.7703A>G on transcript NM_001395159.1 (MANE Select); coding-DNA position 7703, A replaced by G.
Protein change: p.Gln2568Arg; replaces glutamine 2568 with arginine.
Molecular consequence: missense variant.
Genome position (GRCh38, 1-based): chr14:93,691,846, A>G. VCF-style: chr14-93691846-A-G. GRCh37 (hg19) VCF-style: chr14-94158192-A-G.
Other names: c.7637A>G, p.Gln2546Arg (NM_001346218.2); c.6956A>G, p.Gln2319Arg (NM_020818.5); short protein forms Q2546R, Q2319R, Q2568R.
Identifiers: ClinVar variation 4727443 (VCV004727443.1).
Genomic context (GRCh38, chr14:93,691,846, plus strand): 5'-TCATCTTTGCTCAGCTGTGGACAGTTTATTGCGAGCAAAGTGCCGTCGCTACAAATCTCC[A>G]AAATCAGAATGAATTCAGCTTCACGGCGATACTGACAGCACTAGAATTTTGGAGTAGGGT-3'
Protein context (NP_001382088.1, residues 2558-2578): CEQSAVATNL[Gln2568Arg]NQNEFSFTAI

ClinVar aggregate classification (germline): Uncertain significance (1 of 4 stars; one submission).

gnomAD v4.1: 2 of 1,614,072 alleles (0.00012%); highest among the groups gnomAD compares: African/African-American, 0.0027%; no homozygotes.

Submission:

Labcorp Genetics (formerly Invitae), Labcorp
Classification: Uncertain significance. Last evaluated: 2025-09-19. Review status: criteria provided, single submitter. Criteria: Invitae Variant Classification Sherloc (09022015). Collection method: clinical testing. Allele origin: germline.
Comment: This sequence change replaces glutamine, which is neutral and polar, with arginine, which is basic and polar, at codon 2319 of the UNC79 protein (p.Gln2319Arg). This variant is present in population databases (no rsID available, gnomAD 0.01%). This variant has not been reported in the literature in individuals affected with UNC79-related conditions. Experimental studies and prediction algorithms are not available or were not evaluated, and the functional significance of this variant is currently unknown. In summary, the available evidence is currently insufficient to determine the role of this variant in disease. Therefore, it has been classified as a Variant of Uncertain Significance.